The following is an entry in ClinVar:

NM_005475.3(SH2B3):c.812A>G (p.Asn271Ser)

Gene: SH2B3 (SH2B adaptor protein 3; plus strand). Cytogenetic location: 12q24.12.
Variant type: single nucleotide variant.
Coding change: c.812A>G on transcript NM_005475.3 (MANE Select); coding-DNA position 812, A replaced by G.
Protein change: p.Asn271Ser; replaces asparagine 271 with serine.
Molecular consequence: missense variant.
Genome position (GRCh38, 1-based): chr12:111,446,832, A>G. VCF-style: chr12-111446832-A-G. GRCh37 (hg19) VCF-style: chr12-111884636-A-G.
Other names: c.206A>G, p.Asn69Ser (NM_001291424.1); short protein forms N69S, N271S.
Identifiers: ClinVar variation 3161126 (VCV003161126.2), dbSNP rs1258425665, ClinGen allele CA386710572.
Genomic context (GRCh38, chr12:111,446,832, plus strand): 5'-AAGCAGCTTGCTCCAGCATCCAGGAGGTCCGGTGGTGCACACGGCTTGAGATGCCTGACA[A>G]CCTTTACACCTTTGTGCTGAAGGTGAGTGACAAGGCTTTTCACACCCTGGGGCAATACAA-3'
Protein context (NP_005466.1, residues 261-281): RWCTRLEMPD[Asn271Ser]LYTFVLKVKD

ClinVar aggregate classification (germline): Uncertain significance (1 of 4 stars; one submission).

Conditions:
Inborn genetic diseases. Identifiers: MedGen C0950123, MeSH D030342.

gnomAD v4.1: 13 of 1,591,492 alleles (0.00082%); highest among the groups gnomAD compares: East Asian, 0.029%; no homozygotes.

Submission:

Ambry Genetics
Classification: Uncertain significance for Inborn genetic diseases. Last evaluated: 2025-04-03. Review status: criteria provided, single submitter. Criteria: Ambry Variant Classification Scheme 2023. Collection method: clinical testing. Allele origin: germline.
Comment: The p.N271S variant (also known as c.812A>G), located in coding exon 2 of the SH2B3 gene, results from an A to G substitution at nucleotide position 812. The asparagine at codon 271 is replaced by serine, an amino acid with highly similar properties. This amino acid position is conserved. In addition, this alteration is predicted to be tolerated by in silico analysis. Based on the available evidence, the clinical significance of this variant remains unclear.